The following is an entry in ClinVar:

NM_000539.3(RHO):c.8G>A (p.Gly3Asp)

Gene: RHO (rhodopsin; plus strand). Cytogenetic location: 3q22.1.
Variant type: single nucleotide variant.
Coding change: c.8G>A on transcript NM_000539.3 (MANE Select); coding-DNA position 8, G replaced by A.
Protein change: p.Gly3Asp; replaces glycine 3 with aspartic acid.
Molecular consequence: missense variant.
Genome position (GRCh38, 1-based): chr3:129,528,741, G>A. VCF-style: chr3-129528741-G-A. GRCh37 (hg19) VCF-style: chr3-129247584-G-A.
Other names: short protein forms G3D.
Identifiers: ClinVar variation 1481299 (VCV001481299.7), dbSNP rs972605266, ClinGen allele CA82646516.

ClinVar aggregate classification (germline): Conflicting classifications of pathogenicity. Review status: criteria provided, conflicting classifications (1 of 4 stars). 2 submissions from 2 submitters: Likely pathogenic (1); Uncertain significance (1). Last evaluated 2025-12-26.

Conditions:
RHO-related disorder. Also called: RHO-related condition.

Allele frequency attached by ClinVar (database versions not stated): gnomAD exomes below 0.00001.

Submissions (2):

Labcorp Genetics (formerly Invitae), Labcorp
Classification: Uncertain significance. Last evaluated: 2025-12-26. Review status: criteria provided, single submitter. Criteria: Invitae Variant Classification Sherloc (09022015). Collection method: clinical testing. Allele origin: germline.
Comment: This sequence change replaces glycine, which is neutral and non-polar, with aspartic acid, which is acidic and polar, at codon 3 of the RHO protein (p.Gly3Asp). This variant is present in population databases (no rsID available, gnomAD 0.0009%). This missense change has been observed in individual(s) with autosomal dominant retinitis pigmentosa (PMID: 28559085). ClinVar contains an entry for this variant (Variation ID: 1481299). Invitae Evidence Modeling of protein sequence and biophysical properties (such as structural, functional, and spatial information, amino acid conservation, physicochemical variation, residue mobility, and thermodynamic stability) indicates that this missense variant is expected to disrupt RHO protein function with a positive predictive value of 95%. In summary, the available evidence is currently insufficient to determine the role of this variant in disease. Therefore, it has been classified as a Variant of Uncertain Significance.

Blueprint Genetics
Classification: Likely pathogenic for RHO-related disorders. Last evaluated: 2020-10-08. Review status: criteria provided, single submitter. Criteria: ACMG Guidelines, 2015. Collection method: clinical testing. Allele origin: germline. Affected: yes. Observed: 1 variant allele.

Literature cited by the submitters: PubMed 28559085 (cited by Labcorp Genetics (formerly Invitae), Labcorp).